The following is an entry in ClinVar:

ClinVar aggregate classification (germline): Uncertain significance. Review status: criteria provided, multiple submitters, no conflicts (2 of 4 stars). 2 submissions from 2 submitters: Uncertain significance (2). Last evaluated 2024-10-18.

Conditions:
Epidermolysis bullosa simplex 5C, with pyloric atresia (EBS5C). Also called: PLEC-Related Epidermolysis Bullosa with Pyloric Atresia; Epidermolysis bullosa simplex with pyloric atresia; PLEC1-Related Epidermolysis Bullosa with Pyloric Atresia. Identifiers: Orphanet 158684, MedGen C2677349, MONDO:0012807, OMIM 612138.
Epidermolysis bullosa simplex 5B, with muscular dystrophy (EBS5B). Also called: Epidermolysis bullosa simplex with muscular dystrophy; EPIDERMOLYSIS BULLOSA SIMPLEX AND LIMB-GIRDLE MUSCULAR DYSTROPHY. Identifiers: Orphanet 257, MedGen C2931072, MONDO:0009181, OMIM 226670.
Epidermolysis bullosa simplex, Ogna type (EBS5A). Also called: Pidermolysis bullosa simplex 5A, Ogna type; EPIDERMOLYSIS BULLOSA SIMPLEX 5A, OGNA TYPE. Identifiers: Orphanet 79401, MedGen C0432317, MONDO:0007555, OMIM 131950.
Autosomal recessive limb-girdle muscular dystrophy type 2Q (LGMDR17). Also called: MUSCULAR DYSTROPHY, LIMB-GIRDLE, AUTOSOMAL RECESSIVE 17. Identifiers: Orphanet 254361, MedGen C3150989, MONDO:0013390, OMIM 613723.
Epidermolysis bullosa simplex with nail dystrophy (EBS5D). Identifiers: MedGen C4225309, MONDO:0014661, OMIM 616487.
Inborn genetic diseases. Identifiers: MedGen C0950123, MeSH D030342.

Allele frequency attached by ClinVar (database versions not stated): gnomAD exomes below 0.00001; gnomAD 0.00001; TOPMed 0.00002.
gnomAD v4.1: 3 of 1,549,902 alleles (0.00019%); highest among the groups gnomAD compares: African/African-American, 0.0041%; no homozygotes.

Submissions (2):

Labcorp Genetics (formerly Invitae), Labcorp
Classification: Uncertain significance for Autosomal recessive limb-girdle muscular dystrophy type 2Q; Epidermolysis bullosa simplex, Ogna type; Epidermolysis bullosa simplex with nail dystrophy; Epidermolysis bullosa simplex 5C, with pyloric atresia; Epidermolysis bullosa simplex 5B, with muscular dystrophy. Last evaluated: 2024-10-18. Review status: criteria provided, single submitter. Criteria: Invitae Variant Classification Sherloc (09022015). Collection method: clinical testing. Allele origin: germline.
Comment: This sequence change replaces glutamine, which is neutral and polar, with glutamic acid, which is acidic and polar, at codon 2570 of the PLEC protein (p.Gln2570Glu). This variant is present in population databases (no rsID available, gnomAD 0.01%). This variant has not been reported in the literature in individuals affected with PLEC-related conditions. ClinVar contains an entry for this variant (Variation ID: 953145). Invitae Evidence Modeling of protein sequence and biophysical properties (such as structural, functional, and spatial information, amino acid conservation, physicochemical variation, residue mobility, and thermodynamic stability) indicates that this missense variant is not expected to disrupt PLEC protein function with a negative predictive value of 80%. In summary, the available evidence is currently insufficient to determine the role of this variant in disease. Therefore, it has been classified as a Variant of Uncertain Significance.

Ambry Genetics
Classification: Uncertain significance for Inborn genetic diseases. Last evaluated: 2022-12-06. Review status: criteria provided, single submitter. Criteria: Ambry Variant Classification Scheme 2023. Collection method: clinical testing. Allele origin: germline.

NM_201384.3(PLEC):c.7627C>G (p.Gln2543Glu)

Gene: PLEC (plectin; minus strand). Cytogenetic location: 8q24.3.
Variant type: single nucleotide variant.
Coding change: c.7627C>G on transcript NM_201384.3 (MANE Select); coding-DNA position 7627, C replaced by G.
Protein change: p.Gln2543Glu; replaces glutamine 2543 with glutamic acid.
Molecular consequence: missense variant.
Genome position (GRCh38, 1-based): chr8:143,922,194, G>C on the plus strand (C>G on the coding strand, the complement: PLEC is on the minus strand). VCF-style: chr8-143922194-G-C. GRCh37 (hg19) VCF-style: chr8-144996362-G-C.
Other names: c.7708C>G, p.Gln2570Glu (NM_000445.5); c.7585C>G, p.Gln2529Glu (NM_201378.4); c.7561C>G, p.Gln2521Glu (NM_201379.3); c.8038C>G, p.Gln2680Glu (NM_201380.4); c.7531C>G, p.Gln2511Glu (NM_201381.3); c.7627C>G, p.Gln2543Glu (NM_201382.4); c.7639C>G, p.Gln2547Glu (NM_201383.3); c.7708C>G (NM_000445.3); short protein forms Q2547E, Q2543E, Q2570E, Q2680E, Q2511E, Q2521E, Q2529E.
Identifiers: ClinVar variation 953145 (VCV000953145.8), dbSNP rs1554688769, ClinGen allele CA372523707.